The following is an entry in ClinVar:

ClinVar aggregate classification (germline): Pathogenic (1 of 4 stars; one submission).

Submission:

Labcorp Genetics (formerly Invitae), Labcorp
Classification: Pathogenic. Last evaluated: 2022-05-20. Review status: criteria provided, single submitter. Criteria: Invitae Variant Classification Sherloc (09022015). Collection method: clinical testing. Allele origin: germline.
Comment: For these reasons, this variant has been classified as Pathogenic. This variant has not been reported in the literature in individuals affected with SLC12A1-related conditions. This variant is not present in population databases (gnomAD no frequency). This sequence change creates a premature translational stop signal (p.Lys745*) in the SLC12A1 gene. It is expected to result in an absent or disrupted protein product. Loss-of-function variants in SLC12A1 are known to be pathogenic (PMID: 8640224, 9585600, 19096086).

Literature cited by the submitters: PubMed 8640224; PubMed 9585600; PubMed 19096086.

NM_000338.3(SLC12A1):c.2233A>T (p.Lys745Ter)

Gene: SLC12A1 (solute carrier family 12 member 1; plus strand). Cytogenetic location: 15q21.1.
Variant type: single nucleotide variant.
Coding change: c.2233A>T on transcript NM_000338.3 (MANE Select); coding-DNA position 2233, A replaced by T.
Protein change: p.Lys745Ter; replaces lysine 745 with a stop codon.
Molecular consequence: nonsense.
Genome position (GRCh38, 1-based): chr15:48,267,639, A>T. VCF-style: chr15-48267639-A-T. GRCh37 (hg19) VCF-style: chr15-48559836-A-T.
Other names: c.2233A>T, p.Lys745Ter (NM_001184832.2, NM_001384136.1); short protein forms K745*.
Identifiers: ClinVar variation 1997109 (VCV001997109.4), dbSNP rs2505137368, ClinGen allele CA392315153.